The following is an entry in ClinVar:

ClinVar aggregate classification (germline): Uncertain significance (1 of 4 stars; one submission).

Allele frequency attached by ClinVar (database versions not stated): ESP Exome Variant Server 0.00023; gnomAD 0.00040; ExAC 0.00043; TOPMed 0.00049; gnomAD exomes 0.00087.

Submission:

Ambry Genetics
Classification: Uncertain significance. Last evaluated: 2024-09-05. Review status: criteria provided, single submitter. Criteria: Ambry Variant Classification Scheme 2023. Collection method: clinical testing. Allele origin: germline.
Comment: The p.T1425A variant (also known as c.4273A>G), located in coding exon 4 of the ALPK2 gene, results from an A to G substitution at nucleotide position 4273. The threonine at codon 1425 is replaced by alanine, an amino acid with similar properties. This amino acid position is conserved. In addition, this alteration is predicted to be tolerated by in silico analysis. Since supporting evidence is limited at this time, the clinical significance of this alteration remains unclear.

NM_052947.4(ALPK2):c.4273A>G (p.Thr1425Ala)

Genes: ALPK2 (alpha kinase 2; minus strand), LOC126862764 (BRD4-independent group 4 enhancer GRCh37_chr18:56202574-56203773; plus strand). Cytogenetic location: 18q21.31.
Variant type: single nucleotide variant.
Coding change: c.4273A>G on transcript NM_052947.4 (MANE Select); coding-DNA position 4273, A replaced by G.
Protein change: p.Thr1425Ala; replaces threonine 1425 with alanine.
Molecular consequence: missense variant.
Genome position (GRCh38, 1-based): chr18:58,535,914, T>C on the plus strand (A>G on the coding strand, the complement: ALPK2 is on the minus strand). VCF-style: chr18-58535914-T-C. GRCh37 (hg19) VCF-style: chr18-56203146-T-C.
Other names: short protein forms T1425A.
Identifiers: ClinVar variation 1739273 (VCV001739273.3), dbSNP rs56000853, ClinGen allele CA8976744.